The following is an entry in ClinVar:

NM_001048174.2(MUTYH):c.416T>A (p.Leu139Gln)

Gene: MUTYH (mutY DNA glycosylase; minus strand). Cytogenetic location: 1p34.1.
Variant type: single nucleotide variant.
Coding change: c.416T>A on transcript NM_001048174.2 (MANE Select); coding-DNA position 416, T replaced by A.
Protein change: p.Leu139Gln; replaces leucine 139 with glutamine.
Molecular consequence: missense variant. On other transcripts: non-coding transcript variant (6), intron variant (4).
Genome position (GRCh38, 1-based): chr1:45,332,922, A>T on the plus strand (T>A on the coding strand, the complement: MUTYH is on the minus strand). VCF-style: chr1-45332922-A-T. GRCh37 (hg19) VCF-style: chr1-45798594-A-T.
Other names: c.416T>A, p.Leu139Gln (NM_001048171.2, NM_001048173.2, NM_001293195.2 and 5 more transcripts); c.419T>A, p.Leu140Gln (NM_001048172.2, NM_001407086.1, NM_001407071.1 and 1 more transcripts); c.500T>A, p.Leu167Gln (NM_001128425.2); c.461T>A, p.Leu154Gln (NM_001293190.2); c.449T>A, p.Leu150Gln (NM_001293191.2, NM_001407077.1); c.140T>A, p.Leu47Gln (NM_001293192.2, NM_001407091.1, NM_001293196.2); c.71T>A, p.Leu24Gln (NM_001407082.1, NM_001350650.2, NM_001350651.2); c.458T>A, p.Leu153Gln (NM_001407083.1, NM_001407085.1); and 7 more; short protein forms L139Q, L140Q, L150Q, L154Q, L111Q, L164Q, L146Q, L47Q.
Identifiers: ClinVar variation 4113701 (VCV004113701.1).

ClinVar aggregate classification (germline): Uncertain significance (1 of 4 stars; one submission).

Conditions:
Hereditary cancer-predisposing syndrome. Also called: Hereditary neoplastic syndrome; Neoplastic Syndromes, Hereditary; Tumor predisposition; Hereditary Cancer Syndrome. Identifiers: Orphanet 140162, MedGen C0027672, MeSH D009386, MONDO:0015356.

Submission:

Ambry Genetics
Classification: Uncertain significance for Hereditary cancer-predisposing syndrome. Last evaluated: 2025-08-27. Review status: criteria provided, single submitter. Criteria: Ambry Variant Classification Scheme 2023. Collection method: clinical testing. Allele origin: germline.
Comment: The p.L167Q variant (also known as c.500T>A), located in coding exon 6 of the MUTYH gene, results from a T to A substitution at nucleotide position 500. The leucine at codon 167 is replaced by glutamine, an amino acid with dissimilar properties. This amino acid position is conserved. In addition, the in silico prediction for this alteration is inconclusive. Based on the available evidence, the clinical significance of this variant remains unclear.